The following is an entry in ClinVar:

NM_007129.5(ZIC2):c.1524_1544del (p.Ser509_Gly515del)

Gene: ZIC2 (Zic family zinc finger 2; plus strand). Cytogenetic location: 13q32.3.
Variant type: Deletion.
Coding change: c.1524_1544del on transcript NM_007129.5 (MANE Select); coding-DNA positions 1524 to 1544, 21 bases deleted (CAGCTCTGGCGGGGGCAGCGG).
Protein change: p.Ser509_Gly515del.
Genome position (GRCh38, 1-based): chr13:99,985,607-99,985,627, CAGCTCTGGCGGGGGCAGCGG deleted; deleting any 21 consecutive bases within chr13:99,985,603-99,985,627 gives the same sequence; the c. name uses the placement nearest the transcript's 3' end. VCF-style (leftmost placement, unchanged base first): chr13-99985602-GGCGGCAGCTCTGGCGGGGGCA-G. GRCh37 (hg19) VCF-style: chr13-100637856-GGCGGCAGCTCTGGCGGGGGCA-G.
Identifiers: ClinVar variation 3715878 (VCV003715878.2).

ClinVar aggregate classification (germline): Uncertain significance (1 of 4 stars; one submission).

Conditions:
Holoprosencephaly 5 (HPE5). Identifiers: Orphanet 2162, MedGen C1864827, MONDO:0012322, OMIM 609637.

Submission:

Labcorp Genetics (formerly Invitae), Labcorp
Classification: Uncertain significance for Holoprosencephaly 5. Last evaluated: 2024-08-19. Review status: criteria provided, single submitter. Criteria: Invitae Variant Classification Sherloc (09022015). Collection method: clinical testing. Allele origin: germline.
Comment: This variant, c.1524_1544del, results in the deletion of 7 amino acid(s) of the ZIC2 protein (p.Ser509_Gly515del), but otherwise preserves the integrity of the reading frame. This variant is not present in population databases (gnomAD no frequency). This variant has not been reported in the literature in individuals affected with ZIC2-related conditions. Experimental studies and prediction algorithms are not available or were not evaluated, and the functional significance of this variant is currently unknown. In summary, the available evidence is currently insufficient to determine the role of this variant in disease. Therefore, it has been classified as a Variant of Uncertain Significance.